The following is an entry in ClinVar:

NM_004655.4(AXIN2):c.1019G>T (p.Ser340Ile)

Gene: AXIN2 (axin 2; minus strand). Cytogenetic location: 17q24.1.
Variant type: single nucleotide variant.
Coding change: c.1019G>T on transcript NM_004655.4 (MANE Select); coding-DNA position 1019, G replaced by T.
Protein change: p.Ser340Ile; replaces serine 340 with isoleucine.
Molecular consequence: missense variant.
Genome position (GRCh38, 1-based): chr17:65,541,495, C>A on the plus strand (G>T on the coding strand, the complement: AXIN2 is on the minus strand). VCF-style: chr17-65541495-C-A. GRCh37 (hg19) VCF-style: chr17-63537613-C-A.
Other names: c.1019G>T, p.Ser340Ile (NM_001363813.1); short protein forms S340I.
Identifiers: ClinVar variation 2682037 (VCV002682037.1), dbSNP rs2544196451, ClinGen allele CA400679215.

ClinVar aggregate classification (germline): Uncertain significance (1 of 4 stars; one submission).

Submission:

Quest Diagnostics Nichols Institute San Juan Capistrano
Classification: Uncertain significance. Last evaluated: 2022-08-17. Review status: criteria provided, single submitter. Criteria: Quest Diagnostics criteria. Collection method: clinical testing. Allele origin: unknown.
Comment: This variant has not been reported in the published literature. It also has not been reported in large, multi-ethnic general populations. Analysis of this variant using bioinformatics tools for the prediction of the effect of amino acid changes on protein structure and function yielded predictions that this variant is benign. Based on the available information, we are unable to determine the clinical significance of this variant.